The following is an entry in ClinVar:

NM_001077446.4(TSEN34):c.794C>G (p.Pro265Arg)

Gene: TSEN34 (tRNA splicing endonuclease subunit 34; plus strand). Cytogenetic location: 19q13.42.
Variant type: single nucleotide variant.
Coding change: c.794C>G on transcript NM_001077446.4 (MANE Select); coding-DNA position 794, C replaced by G.
Protein change: p.Pro265Arg; replaces proline 265 with arginine.
Molecular consequence: missense variant.
Genome position (GRCh38, 1-based): chr19:54,193,223, C>G. VCF-style: chr19-54193223-C-G. GRCh37 (hg19) VCF-style: chr19-54697078-C-G.
Other names: c.794C>G, p.Pro265Arg (NM_001282332.2, NM_001282333.2, NM_001386740.1 and 1 more transcripts); short protein forms P265R.
Identifiers: ClinVar variation 2869161 (VCV002869161.3), dbSNP rs1411664018, ClinGen allele CA407765647.

ClinVar aggregate classification (germline): Uncertain significance (1 of 4 stars; one submission).

Submission:

Labcorp Genetics (formerly Invitae), Labcorp
Classification: Uncertain significance. Last evaluated: 2023-12-14. Review status: criteria provided, single submitter. Criteria: Invitae Variant Classification Sherloc (09022015). Collection method: clinical testing. Allele origin: germline.
Comment: This sequence change replaces proline, which is neutral and non-polar, with arginine, which is basic and polar, at codon 265 of the TSEN34 protein (p.Pro265Arg). This variant is not present in population databases (gnomAD no frequency). This variant has not been reported in the literature in individuals affected with TSEN34-related conditions. Experimental studies and prediction algorithms are not available or were not evaluated, and the functional significance of this variant is currently unknown. In summary, the available evidence is currently insufficient to determine the role of this variant in disease. Therefore, it has been classified as a Variant of Uncertain Significance.